The following is an entry in ClinVar:

NM_001277115.2(DNAH11):c.1A>G (p.Met1Val)

Gene: DNAH11 (dynein axonemal heavy chain 11; plus strand). Cytogenetic location: 7p15.3.
Variant type: single nucleotide variant.
Coding change: c.1A>G on transcript NM_001277115.2 (MANE Select); coding-DNA position 1, A replaced by G.
Protein change: p.Met1Val; changes the start codon (methionine 1).
Molecular consequence: missense variant, initiator codon variant.
Genome position (GRCh38, 1-based): chr7:21,543,246, A>G. VCF-style: chr7-21543246-A-G. GRCh37 (hg19) VCF-style: chr7-21582864-A-G.
Other names: short protein forms M1V.
Identifiers: ClinVar variation 454666 (VCV000454666.20), dbSNP rs1162526607, ClinGen allele CA366930940.

ClinVar aggregate classification (germline): Likely pathogenic. Review status: criteria provided, multiple submitters, no conflicts (2 of 4 stars). 5 submissions from 5 submitters: Likely pathogenic (5). Last evaluated 2025-12-21.

Conditions:
DNAH11-related disorder. Also called: DNAH11-related condition.
DNAH11-related disorders.
Primary ciliary dyskinesia. Also called: Ciliary dyskinesia. Identifiers: Orphanet 244, MedGen C0008780, MONDO:0016575, HP:0012265.
Primary ciliary dyskinesia 7. Also called: CILIARY DYSKINESIA, PRIMARY, 7, WITH OR WITHOUT SITUS INVERSUS. Identifiers: Orphanet 244, MedGen C2678473, MONDO:0012748, OMIM 611884.

Allele frequency attached by ClinVar (database versions not stated): gnomAD exomes 0.00001; gnomAD 0.00002; TOPMed 0.00002.

Submissions (5):

Labcorp Genetics (formerly Invitae), Labcorp
Classification: Likely pathogenic for Primary ciliary dyskinesia. Last evaluated: 2025-12-21. Review status: criteria provided, single submitter. Criteria: Invitae Variant Classification Sherloc (09022015). Collection method: clinical testing. Allele origin: germline.
Comment: This sequence change affects the initiator codon of the DNAH11 mRNA. This change may impact translation initiation or efficiency. The next in-frame methionine is located at codon 68. The frequency data for this variant in the population databases is considered unreliable, as metrics indicate poor data quality at this position in the gnomAD database. Disruption of the initiator codon has been observed in individual(s) with clinical features of primary ciliary dyskinesia (internal data). ClinVar contains an entry for this variant (Variation ID: 454666). In summary, the currently available evidence indicates that the variant is pathogenic, but additional data are needed to prove that conclusively. Therefore, this variant has been classified as Likely Pathogenic.

PreventionGenetics, part of Exact Sciences
Classification: Likely pathogenic for DNAH11-related condition. Last evaluated: 2025-03-19. Review status: criteria provided, single submitter. Criteria: ACMG Guidelines, 2015. Collection method: clinical testing. Allele origin: germline.
Comment: The DNAH11 c.1A>G variant is predicted to disrupt the translation initiation site (Start loss). To our knowledge, this variant has not been reported in the literature. This variant is reported in 0.0084% of alleles in individuals of East Asian descent in gnomAD. In ClinVar, multiple laboratories have classified this variant as likely pathogenic (ClinVar ID: 454666). This variant is interpreted as likely pathogenic.

Blueprint Genetics
Classification: Likely pathogenic for DNAH11-related disorders. Last evaluated: 2023-09-27. Review status: criteria provided, single submitter. Criteria: ACMG Guidelines, 2015. Collection method: clinical testing. Allele origin: germline. Affected: yes. Observed: 3 variant alleles.

Revvity Omics, Revvity
Classification: Likely pathogenic for Primary ciliary dyskinesia 7. Last evaluated: 2019-12-19. Review status: criteria provided, single submitter. Criteria: ACMG Guidelines, 2015. Collection method: clinical testing. Allele origin: germline.

Ambry Genetics
Classification: Likely pathogenic for Primary ciliary dyskinesia. Last evaluated: 2019-03-18. Review status: criteria provided, single submitter. Criteria: Ambry Variant Classification Scheme 2023. Collection method: clinical testing. Allele origin: germline.
Comment: The p.M1? variant (also known as c.1A>G), located in coding exon 1 of the DNAH11 gene, results from an A to G substitution at nucleotide position 1. This alters the methionine residue at the initiation codon. Since sequence variations that modify the initiation codon (ATG) are expected to result in either loss of translation initiation, N-terminal truncation, or cause a shift in the mRNA reading frame, this alteration is interpreted as likely pathogenic.